The following is an entry in ClinVar:

ClinVar aggregate classification (germline): Uncertain significance (1 of 4 stars; one submission).

Conditions:
Epidermolysis bullosa simplex 5C, with pyloric atresia (EBS5C). Also called: PLEC-Related Epidermolysis Bullosa with Pyloric Atresia; Epidermolysis bullosa simplex with pyloric atresia; PLEC1-Related Epidermolysis Bullosa with Pyloric Atresia. Identifiers: Orphanet 158684, MedGen C2677349, MONDO:0012807, OMIM 612138.
Epidermolysis bullosa simplex 5B, with muscular dystrophy (EBS5B). Also called: Epidermolysis bullosa simplex with muscular dystrophy; EPIDERMOLYSIS BULLOSA SIMPLEX AND LIMB-GIRDLE MUSCULAR DYSTROPHY. Identifiers: Orphanet 257, MedGen C2931072, MONDO:0009181, OMIM 226670.
Epidermolysis bullosa simplex, Ogna type (EBS5A). Also called: Pidermolysis bullosa simplex 5A, Ogna type; EPIDERMOLYSIS BULLOSA SIMPLEX 5A, OGNA TYPE. Identifiers: Orphanet 79401, MedGen C0432317, MONDO:0007555, OMIM 131950.
Autosomal recessive limb-girdle muscular dystrophy type 2Q (LGMDR17). Also called: MUSCULAR DYSTROPHY, LIMB-GIRDLE, AUTOSOMAL RECESSIVE 17. Identifiers: Orphanet 254361, MedGen C3150989, MONDO:0013390, OMIM 613723.
Epidermolysis bullosa simplex with nail dystrophy (EBS5D). Identifiers: MedGen C4225309, MONDO:0014661, OMIM 616487.

Allele frequency attached by ClinVar (database versions not stated): gnomAD exomes below 0.00001.
gnomAD v4.1: 1 of 1,610,464 alleles (0.000062%); highest among the groups gnomAD compares: South Asian, 0.0011%; no homozygotes.

Submission:

Labcorp Genetics (formerly Invitae), Labcorp
Classification: Uncertain significance for Autosomal recessive limb-girdle muscular dystrophy type 2Q; Epidermolysis bullosa simplex, Ogna type; Epidermolysis bullosa simplex with nail dystrophy; Epidermolysis bullosa simplex 5C, with pyloric atresia; Epidermolysis bullosa simplex 5B, with muscular dystrophy. Last evaluated: 2023-07-10. Review status: criteria provided, single submitter. Criteria: Invitae Variant Classification Sherloc (09022015). Collection method: clinical testing. Allele origin: germline.
Comment: This sequence change replaces asparagine, which is neutral and polar, with serine, which is neutral and polar, at codon 242 of the PLEC protein (p.Asn242Ser). This variant is not present in population databases (gnomAD no frequency). In summary, the available evidence is currently insufficient to determine the role of this variant in disease. Therefore, it has been classified as a Variant of Uncertain Significance. Advanced modeling of protein sequence and biophysical properties (such as structural, functional, and spatial information, amino acid conservation, physicochemical variation, residue mobility, and thermodynamic stability) performed at Invitae indicates that this missense variant is not expected to disrupt PLEC protein function. ClinVar contains an entry for this variant (Variation ID: 951256). This variant has not been reported in the literature in individuals affected with PLEC-related conditions.

NM_201384.3(PLEC):c.644A>G (p.Asn215Ser)

Gene: PLEC (plectin; minus strand). Cytogenetic location: 8q24.3.
Variant type: single nucleotide variant.
Coding change: c.644A>G on transcript NM_201384.3 (MANE Select); coding-DNA position 644, A replaced by G.
Protein change: p.Asn215Ser; replaces asparagine 215 with serine.
Molecular consequence: missense variant.
Genome position (GRCh38, 1-based): chr8:143,935,272, T>C on the plus strand (A>G on the coding strand, the complement: PLEC is on the minus strand). VCF-style: chr8-143935272-T-C. GRCh37 (hg19) VCF-style: chr8-145009440-T-C.
Other names: c.725A>G, p.Asn242Ser (NM_000445.5); c.602A>G, p.Asn201Ser (NM_201378.4); c.578A>G, p.Asn193Ser (NM_201379.3); c.1055A>G, p.Asn352Ser (NM_201380.4); c.548A>G, p.Asn183Ser (NM_201381.3); c.644A>G, p.Asn215Ser (NM_201382.4); c.656A>G, p.Asn219Ser (NM_201383.3); short protein forms N215S, N219S, N352S, N183S, N193S, N201S, N242S.
Identifiers: ClinVar variation 951256 (VCV000951256.7), dbSNP rs1828715357, ClinGen allele CA372587730.
Genomic context (GRCh38, chr8:143,935,272, plus strand): 5'-AGCCGCGTCACTCCCAGGTCCCGCTCCGCCACAGAGAAGGCCTGGTCCAGGTTCTCCAGG[T>C]TGGTCTGCCGGTACACCTTGTTCATGTCGATGAGCAGGGGCCTGGGACAAGCAGGTGGCT-3'
Protein context (NP_958786.1, residues 205-225): IDMNKVYRQT[Asn215Ser]LENLDQAFSV